The following is an entry in ClinVar:

ClinVar aggregate classification (germline): Uncertain significance (1 of 4 stars; one submission).

Conditions:
MAP3K1-related disorder. Also called: MAP3K1-related condition.

Submission:

PreventionGenetics, part of Exact Sciences
Classification: Uncertain significance for MAP3K1-related condition. Last evaluated: 2026-09-09. Review status: criteria provided, single submitter. Criteria: ACMG Guidelines, 2015. Collection method: clinical testing. Allele origin: germline.
Comment: The MAP3K1 c.349_351delinsCCC variant is predicted to result in an in-frame deletion and insertion. To our knowledge, this variant has not been reported in the literature or in a large population database (gnomAD), indicating this variant is rare. At this time, the clinical significance of this variant is uncertain due to the absence of conclusive functional and genetic evidence.

NM_005921.2(MAP3K1):c.349_351delinsCCC (p.Ala117Pro)

Genes: MAP3K1 (mitogen-activated protein kinase kinase kinase 1; plus strand), LOC129993918 (ATAC-STARR-seq lymphoblastoid silent region 16021; plus strand). Cytogenetic location: 5q11.2.
Variant type: Indel.
Coding change: c.349_351delinsCCC on transcript NM_005921.2 (MANE Select); coding-DNA positions 349 to 351, GCG replaced by CCC.
Protein change: p.Ala117Pro; replaces alanine 117 with proline.
Molecular consequence: missense variant.
Genome position (GRCh38, 1-based): chr5:56,815,922-56,815,924, GCG replaced by CCC. VCF-style: chr5-56815922-GCG-CCC. GRCh37 (hg19) VCF-style: chr5-56111749-GCG-CCC.
Other names: short protein forms A117P.
Identifiers: ClinVar variation 4991568 (VCV004991568.1).
Genomic context (GRCh38, chr5:56,815,922, plus strand): 5'-GACGCAGCGGGGAGTGGGACCGGCTTCCAGCCTGTGGCGGTGCCGCCGCCCCACGGAGCC[GCG>CCC]AGCCGCGGCGGCGCCCACCTTACCGAGTCGGTGGCGGCGCCGGACAGCGGCGCCTCGAGT-3'
Protein context (NP_005912.1, residues 107-127): PVAVPPPHGA[Ala117Pro]SRGGAHLTES